The following is an entry in ClinVar:

ClinVar aggregate classification (germline): Uncertain significance (1 of 4 stars; one submission).

Submission:

GeneDx
Classification: Uncertain significance. Last evaluated: 2024-01-17. Review status: criteria provided, single submitter. Criteria: GeneDx Variant Classification Process June 2021. Collection method: clinical testing. Allele origin: germline. Affected: yes.
Comment: Not observed at significant frequency in large population cohorts (gnomAD); In silico analysis supports that this variant does not alter splicing; Has not been previously published as pathogenic or benign to our knowledge

NM_001395002.1(MAP4K4):c.180G>A (p.Glu60=)

Gene: MAP4K4 (mitogen-activated protein kinase kinase kinase kinase 4; plus strand). Cytogenetic location: 2q11.2.
Variant type: single nucleotide variant.
Coding change: c.180G>A on transcript NM_001395002.1 (MANE Select); coding-DNA position 180, G replaced by A.
Protein change: p.Glu60=; no amino-acid change (glutamic acid 60 retained).
Molecular consequence: synonymous variant. On other transcripts: non-coding transcript variant (4).
Genome position (GRCh38, 1-based): chr2:101,790,776, G>A. VCF-style: chr2-101790776-G-A. GRCh37 (hg19) VCF-style: chr2-102407238-G-A.
Other names: c.180G>A, p.Glu60= (NM_001242559.2, NM_001242560.2, NM_001384476.1 and 28 more transcripts); c.153G>A, p.Glu51= (NM_001384549.1, NM_001384550.1, NM_001384551.1 and 16 more transcripts).
Identifiers: ClinVar variation 3367956 (VCV003367956.1).
Genomic context (GRCh38, chr2:101,790,776, plus strand): 5'-TCAGGGTCGACATGTTAAAACGGGTCAGTTGGCAGCCATCAAAGTTATGGATGTCACTGA[G>A]GTAAGATTGAGTCACACACATTTTTAAATAATGTTAGATGGAAGACAAAGATTCCCCCAA-3'
Protein context (NP_001381931.1, residues 50-70): LAAIKVMDVT[Glu60=]DEEEEIKLEI